The following is an entry in ClinVar:

NM_004373.4(COX6A1):c.103+33A>C

Gene: COX6A1 (cytochrome c oxidase subunit 6A1; plus strand). Cytogenetic location: 12q24.31.
Variant type: single nucleotide variant.
Coding change: c.103+33A>C on transcript NM_004373.4 (MANE Select); 33 bases into the intron after coding-DNA position 103, A replaced by C.
Molecular consequence: intron variant.
Genome position (GRCh38, 1-based): chr12:120,438,262, A>C. VCF-style: chr12-120438262-A-C. GRCh37 (hg19) VCF-style: chr12-120876065-A-C.
Identifiers: ClinVar variation 676114 (VCV000676114.2), dbSNP rs116850387, ClinGen allele CA6827989.
Genomic context (GRCh38, chr12:120,438,262, plus strand): 5'-AGTGGCGCCCATGGCGAAGAGGGCTCAGGTACTGGGGCCGGGGTCGACGGGTCGAGCCTC[A>C]GCCCCACTCGGGCGAGACAGGGAGGGACTGTGACCTTGGCCCGAGGCCTTGCGGGAGGGA-3'

ClinVar aggregate classification (germline): Benign. Review status: criteria provided, multiple submitters, no conflicts (2 of 4 stars). 2 submissions from 2 submitters: Benign (2). Last evaluated 2018-06-14.

Allele frequency attached by ClinVar (database versions not stated): 1000 Genomes Project 30x 0.03576; TOPMed 0.03579; 1000 Genomes Project 0.03774; ESP Exome Variant Server 0.04031; gnomAD 0.04257 and 0.04401; gnomAD exomes 0.05427 and 0.05682; ExAC 0.05590.
gnomAD v4.1: 89,370 of 1,611,960 alleles (5.5%); highest among the groups gnomAD compares: South Asian, 9.6%; 2,966 homozygotes.

Submissions (2):

GeneDx
Classification: Benign. Last evaluated: 2018-06-14. Review status: criteria provided, single submitter. Criteria: GeneDx Variant Classification (06012015). Collection method: clinical testing. Allele origin: germline. Affected: yes.
Comment: This variant is considered likely benign or benign based on one or more of the following criteria: it is a conservative change, it occurs at a poorly conserved position in the protein, it is predicted to be benign by multiple in silico algorithms, and/or has population frequency not consistent with disease.

Breakthrough Genomics
Classification: Benign. Review status: criteria provided, single submitter. Criteria: ACMG Guidelines, 2015. Collection method: not provided. Allele origin: germline. Inheritance: Autosomal recessive inheritance. Affected: yes.